The following is an entry in ClinVar:

ClinVar aggregate classification (germline): Uncertain significance (1 of 4 stars; one submission).

Allele frequency attached by ClinVar (database versions not stated): gnomAD exomes 0.00001; TOPMed 0.00002.
gnomAD v4.1: 8 of 1,614,190 alleles (0.0005%); highest among the groups gnomAD compares: Non-Finnish European, 0.00068%; no homozygotes.

Submission:

Labcorp Genetics (formerly Invitae), Labcorp
Classification: Uncertain significance. Last evaluated: 2025-10-01. Review status: criteria provided, single submitter. Criteria: Invitae Variant Classification Sherloc (09022015). Collection method: clinical testing. Allele origin: germline.
Comment: This sequence change replaces histidine, which is basic and polar, with glutamine, which is neutral and polar, at codon 33 of the RNF168 protein (p.His33Gln). This variant is not present in population databases (gnomAD no frequency). This variant has not been reported in the literature in individuals affected with RNF168-related conditions. ClinVar contains an entry for this variant (Variation ID: 1910662). An algorithm developed to predict the effect of missense changes on protein structure and function (PolyPhen-2) suggests that this variant is likely to be disruptive. In summary, the available evidence is currently insufficient to determine the role of this variant in disease. Therefore, it has been classified as a Variant of Uncertain Significance.

NM_152617.4(RNF168):c.99C>G (p.His33Gln)

Gene: RNF168 (ring finger protein 168; minus strand). Cytogenetic location: 3q29.
Variant type: single nucleotide variant.
Coding change: c.99C>G on transcript NM_152617.4 (MANE Select); coding-DNA position 99, C replaced by G.
Protein change: p.His33Gln; replaces histidine 33 with glutamine.
Molecular consequence: missense variant.
Genome position (GRCh38, 1-based): chr3:196,503,075, G>C on the plus strand (C>G on the coding strand, the complement: RNF168 is on the minus strand). VCF-style: chr3-196503075-G-C. GRCh37 (hg19) VCF-style: chr3-196229946-G-C.
Other names: short protein forms H33Q.
Identifiers: ClinVar variation 1910662 (VCV001910662.5), dbSNP rs1269378997, ClinGen allele CA355628252.
Genomic context (GRCh38, chr3:196,503,075, plus strand): 5'-GAAGGGACAGCATAAACTCGCCTTTTCGACGGTCGACTGGAAGCACGGTTTACACAGCGT[G>C]TGGTTACACGGGAGGGTGACGGGCTCCACGAGGATTTCCATGCAGATCCCGCACTGGCAC-3'
Protein context (NP_689830.2, residues 23-43): LVEPVTLPCN[His33Gln]TLCKPCFQST